The following is an entry in ClinVar:

ClinVar aggregate classification (germline): Uncertain significance (1 of 4 stars; one submission).

Conditions:
Lethal multiple pterygium syndrome (LMPS). Identifiers: Orphanet 33108, MedGen C1854678, MONDO:0009668, OMIM 253290.

Allele frequency attached by ClinVar (database versions not stated): gnomAD exomes below 0.00001; TOPMed below 0.00001.
gnomAD v4.1: 1 of 1,613,516 alleles (0.000062%); highest among the groups gnomAD compares: Admixed American, 0.0017%; no homozygotes.

Submission:

Labcorp Genetics (formerly Invitae), Labcorp
Classification: Uncertain significance for Lethal multiple pterygium syndrome. Last evaluated: 2022-07-15. Review status: criteria provided, single submitter. Criteria: Invitae Variant Classification Sherloc (09022015). Collection method: clinical testing. Allele origin: germline.
Comment: This sequence change affects a donor splice site in intron 11 of the CHRND gene. While this variant is not anticipated to result in nonsense mediated decay, it likely alters RNA splicing and results in a disrupted protein product. This variant is not present in population databases (gnomAD no frequency). This variant has not been reported in the literature in individuals affected with CHRND-related conditions. Variants that disrupt the consensus splice site are a relatively common cause of aberrant splicing (PMID: 17576681, 9536098). Algorithms developed to predict the effect of sequence changes on RNA splicing suggest that this variant may disrupt the consensus splice site. This variant disrupts a region of the CHRND protein in which other variant(s) (p.Arg464*) have been observed in individuals with CHRND-related conditions (PMID: 18252226). This suggests that this is a clinically significant region of the protein, and that variants that disrupt it are likely to be disease-causing. In summary, the available evidence is currently insufficient to determine the role of this variant in disease. Therefore, it has been classified as a Variant of Uncertain Significance.

Literature cited by the submitters: PubMed 17576681; PubMed 9536098; PubMed 18252226.

NM_000751.3(CHRND):c.1371+1G>T

Gene: CHRND (cholinergic receptor nicotinic delta subunit; plus strand). Cytogenetic location: 2q37.1.
Variant type: single nucleotide variant.
Coding change: c.1371+1G>T on transcript NM_000751.3 (MANE Select); the canonical splice donor site of the intron after coding-DNA position 1371, G replaced by T.
Molecular consequence: splice donor variant.
Genome position (GRCh38, 1-based): chr2:232,534,343, G>T. VCF-style: chr2-232534343-G-T. GRCh37 (hg19) VCF-style: chr2-233399053-G-T.
Other names: c.789+1G>T (NM_001311195.2); c.1068+1G>T (NM_001311196.2); c.1326+1G>T (NM_001256657.2).
Identifiers: ClinVar variation 2418304 (VCV002418304.7), dbSNP rs1691815117, ClinGen allele CA351005870.